The following is an entry in ClinVar:

NM_000465.4(BARD1):c.1913C>T (p.Ala638Val)

Gene: BARD1 (BRCA1 associated RING domain 1; minus strand). Cytogenetic location: 2q35.
Variant type: single nucleotide variant.
Coding change: c.1913C>T on transcript NM_000465.4 (MANE Select); coding-DNA position 1913, C replaced by T.
Protein change: p.Ala638Val; replaces alanine 638 with valine.
Molecular consequence: missense variant. On other transcripts: non-coding transcript variant (3).
Genome position (GRCh38, 1-based): chr2:214,730,499, G>A on the plus strand (C>T on the coding strand, the complement: BARD1 is on the minus strand). VCF-style: chr2-214730499-G-A. GRCh37 (hg19) VCF-style: chr2-215595223-G-A.
Other names: c.1856C>T, p.Ala619Val (NM_001282543.2); c.560C>T, p.Ala187Val (NM_001282545.2); c.503C>T, p.Ala168Val (NM_001282548.2); c.374C>T, p.Ala125Val (NM_001282549.2); short protein forms A638V, A168V, A125V, A187V, A619V.
Identifiers: ClinVar variation 576945 (VCV000576945.19), dbSNP rs1559374246, ClinGen allele CA350451310.

ClinVar aggregate classification (germline): Uncertain significance. Review status: criteria provided, multiple submitters, no conflicts (2 of 4 stars). 5 submissions from 5 submitters: Uncertain significance (5). Last evaluated 2026-01-21.

Conditions:
Hereditary cancer-predisposing syndrome. Also called: Tumor predisposition; Hereditary neoplastic syndrome; Hereditary Cancer Syndrome; Neoplastic Syndromes, Hereditary. Identifiers: Orphanet 140162, MedGen C0027672, MeSH D009386, MONDO:0015356.
Familial cancer of breast. Also called: hereditary breast carcinoma; BREAST CANCER, FAMILIAL; Hereditary breast cancer. Identifiers: Orphanet 227535, MedGen C0346153, MONDO:0016419, OMIM 114480. Disease mechanism: loss of function.

Submissions (5):

Labcorp Genetics (formerly Invitae), Labcorp
Classification: Uncertain significance for Familial cancer of breast. Last evaluated: 2026-01-21. Review status: criteria provided, single submitter. Criteria: Invitae Variant Classification Sherloc (09022015). Collection method: clinical testing. Allele origin: germline.
Comment: This sequence change replaces alanine, which is neutral and non-polar, with valine, which is neutral and non-polar, at codon 638 of the BARD1 protein (p.Ala638Val). This variant is not present in population databases (gnomAD no frequency). This variant has not been reported in the literature in individuals affected with BARD1-related conditions. ClinVar contains an entry for this variant (Variation ID: 576945). An algorithm developed to predict the effect of missense changes on protein structure and function outputs the following: PolyPhen-2: "Benign". The valine amino acid residue is found in multiple mammalian species, which suggests that this missense change does not adversely affect protein function. In summary, the available evidence is currently insufficient to determine the role of this variant in disease. Therefore, it has been classified as a Variant of Uncertain Significance.

Center for Genomic Medicine, Rigshospitalet, Copenhagen University Hospital
Classification: Uncertain significance. Last evaluated: 2025-12-29. Review status: criteria provided, single submitter. Criteria: ACMG Guidelines, 2015. Collection method: clinical testing. Allele origin: germline.

Color Diagnostics, LLC DBA Color Health
Classification: Uncertain significance for Hereditary cancer-predisposing syndrome. Last evaluated: 2024-12-23. Review status: criteria provided, single submitter. Criteria: ACMG Guidelines, 2015. Collection method: clinical testing. Allele origin: germline.
Comment: This missense variant replaces alanine with valine at codon 638 of the BARD1 protein. Computational prediction suggests that this variant may not impact protein structure and function. To our knowledge, functional studies have not been reported for this variant. This variant has not been reported in individuals affected with BARD1-related disorders in the literature. This variant has not been identified in the general population by the Genome Aggregation Database (gnomAD). The available evidence is insufficient to determine the role of this variant in disease conclusively. Therefore, this variant is classified as a Variant of Uncertain Significance.

Ambry Genetics
Classification: Uncertain significance for Hereditary cancer-predisposing syndrome. Last evaluated: 2024-02-24. Review status: criteria provided, single submitter. Criteria: Ambry Variant Classification Scheme 2023. Collection method: clinical testing. Allele origin: germline.
Comment: The p.A638V variant (also known as c.1913C>T), located in coding exon 10 of the BARD1 gene, results from a C to T substitution at nucleotide position 1913. The alanine at codon 638 is replaced by valine, an amino acid with similar properties. This amino acid position is well conserved in available vertebrate species. In addition, this alteration is predicted to be tolerated by in silico analysis. Since supporting evidence is limited at this time, the clinical significance of this alteration remains unclear.

Baylor Genetics
Classification: Uncertain significance for Familial cancer of breast. Last evaluated: 2021-08-14. Review status: criteria provided, single submitter. Criteria: ACMG Guidelines, 2015. Collection method: clinical testing. Allele origin: unknown.